The following is an entry in ClinVar:

ClinVar aggregate classification (germline): Uncertain significance (1 of 4 stars; one submission).

gnomAD v4.1: 2 of 1,614,172 alleles (0.00012%); highest among the groups gnomAD compares: Non-Finnish European, 0.00017%; no homozygotes.

Submission:

Mayo Clinic Laboratories, Mayo Clinic
Classification: Uncertain significance. Last evaluated: 2025-09-26. Review status: criteria provided, single submitter. Criteria: ACMG Guidelines, 2015. Collection method: clinical testing. Allele origin: germline. Observed: 1 variant allele.
Comment: PM2_supporting

NM_024664.4(PPCS):c.689T>A (p.Phe230Tyr)

Genes: CCDC30 (coiled-coil domain containing 30; plus strand), PPCS (phosphopantothenoylcysteine synthetase; plus strand). Cytogenetic location: 1p34.2.
Variant type: single nucleotide variant.
Coding change: c.689T>A on transcript NM_024664.4 (MANE Select); coding-DNA position 689, T replaced by A.
Protein change: p.Phe230Tyr; replaces phenylalanine 230 with tyrosine.
Molecular consequence: missense variant. On other transcripts: intron variant (2).
Genome position (GRCh38, 1-based): chr1:42,459,679, T>A. VCF-style: chr1-42459679-T-A. GRCh37 (hg19) VCF-style: chr1-42925350-T-A.
Other names: p.Phe230Tyr; c.170T>A, p.Phe57Tyr (NM_001077447.3, NM_001287506.1, NM_001287508.2 and 2 more transcripts); c.71T>A, p.Phe24Tyr (NM_001287507.1); c.-880+2329T>A (NM_001355226.2); c.612+2329T>A (NM_001287511.2); short protein forms F57Y, F230Y, F24Y.
Identifiers: ClinVar variation 4541011 (VCV004541011.1).
Genomic context (GRCh38, chr1:42,459,679, plus strand): 5'-TGCCAAAACTGCTTTCTCCTTTGGTTAAAGATTGGGCTCCCAAAGCATTTATAATTTCCT[T>A]TAAGTTGGAGACTGACCCCGCCATTGTAATTAATCGAGCTCGGAAGGCTTTGGAAATTTA-3'
Protein context (NP_078940.2, residues 220-240): DWAPKAFIIS[Phe230Tyr]KLETDPAIVI